The following is an entry in ClinVar:

ClinVar aggregate classification (germline): Uncertain significance. Review status: criteria provided, multiple submitters, no conflicts (2 of 4 stars). 2 submissions from 2 submitters: Uncertain significance (2). Last evaluated 2023-04-13.

Conditions:
DK1-congenital disorder of glycosylation. Also called: CONGENITAL DISORDER OF GLYCOSYLATION, TYPE Im; CDG Im; DK1 DEFICIENCY; DOLICHOL KINASE DEFICIENCY; DOLK-congenital disorder of glycosylation; Carbohydrate deficient glycoprotein syndrome type 1m. Identifiers: Orphanet 91131, MedGen C1835849, MONDO:0012556, OMIM 610768.
Cardiovascular phenotype. Identifiers: MedGen CN230736.

Allele frequency attached by ClinVar (database versions not stated): gnomAD exomes below 0.00001; TOPMed 0.00001.

Submissions (2):

Ambry Genetics
Classification: Uncertain significance for Cardiovascular phenotype. Last evaluated: 2023-04-13. Review status: criteria provided, single submitter. Criteria: Ambry Variant Classification Scheme 2023. Collection method: clinical testing. Allele origin: germline.
Comment: The p.V136A variant (also known as c.407T>C), located in coding exon 1 of the DOLK gene, results from a T to C substitution at nucleotide position 407. The valine at codon 136 is replaced by alanine, an amino acid with similar properties. This amino acid position is conserved. In addition, the in silico prediction for this alteration is inconclusive. Since supporting evidence is limited at this time, the clinical significance of this alteration remains unclear.

Labcorp Genetics (formerly Invitae), Labcorp
Classification: Uncertain significance for DK1-congenital disorder of glycosylation. Last evaluated: 2022-10-17. Review status: criteria provided, single submitter. Criteria: Invitae Variant Classification Sherloc (09022015). Collection method: clinical testing. Allele origin: germline.
Comment: In summary, the available evidence is currently insufficient to determine the role of this variant in disease. Therefore, it has been classified as a Variant of Uncertain Significance. Advanced modeling of protein sequence and biophysical properties (such as structural, functional, and spatial information, amino acid conservation, physicochemical variation, residue mobility, and thermodynamic stability) performed at Invitae indicates that this missense variant is not expected to disrupt DOLK protein function. ClinVar contains an entry for this variant (Variation ID: 464200). This variant has not been reported in the literature in individuals affected with DOLK-related conditions. This variant is not present in population databases (gnomAD no frequency). This sequence change replaces valine, which is neutral and non-polar, with alanine, which is neutral and non-polar, at codon 136 of the DOLK protein (p.Val136Ala).

NM_014908.4(DOLK):c.407T>C (p.Val136Ala)

Gene: DOLK (dolichol kinase; minus strand). Cytogenetic location: 9q34.11.
Variant type: single nucleotide variant.
Coding change: c.407T>C on transcript NM_014908.4 (MANE Select); coding-DNA position 407, T replaced by C.
Protein change: p.Val136Ala; replaces valine 136 with alanine.
Molecular consequence: missense variant.
Genome position (GRCh38, 1-based): chr9:128,946,897, A>G on the plus strand (T>C on the coding strand, the complement: DOLK is on the minus strand). VCF-style: chr9-128946897-A-G. GRCh37 (hg19) VCF-style: chr9-131709176-A-G.
Other names: short protein forms V136A.
Identifiers: ClinVar variation 464200 (VCV000464200.10), dbSNP rs1306944564, ClinGen allele CA375125756.